The following is an entry in ClinVar:

ClinVar aggregate classification (germline): Uncertain significance (1 of 4 stars; one submission).

gnomAD v4.1: 1 of 1,614,266 alleles (0.000062%); highest among the groups gnomAD compares: Non-Finnish European, 0.000085%; no homozygotes.

Submission:

Labcorp Genetics (formerly Invitae), Labcorp
Classification: Uncertain significance. Last evaluated: 2024-10-22. Review status: criteria provided, single submitter. Criteria: Invitae Variant Classification Sherloc (09022015). Collection method: clinical testing. Allele origin: germline.
Comment: This sequence change replaces arginine, which is basic and polar, with glycine, which is neutral and non-polar, at codon 544 of the CEP97 protein (p.Arg544Gly). This variant is not present in population databases (gnomAD no frequency). This variant has not been reported in the literature in individuals affected with CEP97-related conditions. Invitae Evidence Modeling of protein sequence and biophysical properties (such as structural, functional, and spatial information, amino acid conservation, physicochemical variation, residue mobility, and thermodynamic stability) indicates that this missense variant is not expected to disrupt CEP97 protein function with a negative predictive value of 80%. In summary, the available evidence is currently insufficient to determine the role of this variant in disease. Therefore, it has been classified as a Variant of Uncertain Significance.

NM_024548.4(CEP97):c.1630A>G (p.Arg544Gly)

Gene: CEP97 (centrosomal protein 97; plus strand). Cytogenetic location: 3q12.3.
Variant type: single nucleotide variant.
Coding change: c.1630A>G on transcript NM_024548.4 (MANE Select); coding-DNA position 1630, A replaced by G.
Protein change: p.Arg544Gly; replaces arginine 544 with glycine.
Molecular consequence: missense variant.
Genome position (GRCh38, 1-based): chr3:101,758,236, A>G. VCF-style: chr3-101758236-A-G. GRCh37 (hg19) VCF-style: chr3-101477080-A-G.
Other names: c.1453A>G, p.Arg485Gly (NM_001303401.2); c.1528A>G, p.Arg510Gly (NM_001410784.1); c.1351A>G, p.Arg451Gly (NM_001410785.1); short protein forms R451G, R485G, R544G, R510G.
Identifiers: ClinVar variation 3659037 (VCV003659037.2).
Genomic context (GRCh38, chr3:101,758,236, plus strand): 5'-GAAAATAAAGAAACCATATCTCAAGCAACTTCAGAGAAACTTCCCATGATTTTAACCCAG[A>G]GATCTGTTGCTTTGGGACAAGACAAAGTTGCCCTTCAGAAATTAAATGATGCAGCCACCA-3'
Protein context (NP_078824.2, residues 534-554): SEKLPMILTQ[Arg544Gly]SVALGQDKVA